The following is an entry in ClinVar:

NM_015459.5(ATL3):c.267A>C (p.Glu89Asp)

Genes: ATL3 (atlastin GTPase 3; minus strand), LNCROPM (lncRNA regulator of PLAAT3 mediated phospholipid metabolism; plus strand). Cytogenetic location: 11q13.1.
Variant type: single nucleotide variant.
Coding change: c.267A>C on transcript NM_015459.5 (MANE Select); coding-DNA position 267, A replaced by C.
Protein change: p.Glu89Asp; replaces glutamic acid 89 with aspartic acid.
Molecular consequence: missense variant.
Genome position (GRCh38, 1-based): chr11:63,658,899, T>G on the plus strand (A>C on the coding strand, the complement: ATL3 is on the minus strand). VCF-style: chr11-63658899-T-G. GRCh37 (hg19) VCF-style: chr11-63426371-T-G.
Other names: c.213A>C, p.Glu71Asp (NM_001290048.2); short protein forms E89D, E71D.
Identifiers: ClinVar variation 661890 (VCV000661890.26), dbSNP rs182466831, ClinGen allele CA6063836.

ClinVar aggregate classification (germline): Conflicting classifications of pathogenicity. Review status: criteria provided, conflicting classifications (1 of 4 stars). 3 submissions from 3 submitters: Uncertain significance (2); Likely benign (1). Last evaluated 2025-10-02.

Conditions:
Inborn genetic diseases. Identifiers: MedGen C0950123, MeSH D030342.
Neuropathy, hereditary sensory, type 1F. Also called: HSN IF; Hereditary sensory neuropathy type IF. Identifiers: Orphanet 36386, MedGen C3810194, MONDO:0014286, OMIM 615632.

Allele frequency attached by ClinVar (database versions not stated): TOPMed 0.00004; gnomAD exomes 0.00005; ExAC 0.00006; gnomAD 0.00006; 1000 Genomes Project 30x 0.00016; 1000 Genomes Project 0.00020.
gnomAD v4.1: 79 of 1,601,158 alleles (0.0049%); highest among the groups gnomAD compares: Admixed American, 0.0088%; no homozygotes.

Submissions (3):

Labcorp Genetics (formerly Invitae), Labcorp
Classification: Uncertain significance for Neuropathy, hereditary sensory, type 1F. Last evaluated: 2025-10-02. Review status: criteria provided, single submitter. Criteria: Invitae Variant Classification Sherloc (09022015). Collection method: clinical testing. Allele origin: germline.
Comment: This sequence change replaces glutamic acid, which is acidic and polar, with aspartic acid, which is acidic and polar, at codon 89 of the ATL3 protein (p.Glu89Asp). This variant is present in population databases (rs182466831, gnomAD 0.008%). This variant has not been reported in the literature in individuals affected with ATL3-related conditions. ClinVar contains an entry for this variant (Variation ID: 661890). An algorithm developed to predict the effect of missense changes on protein structure and function (PolyPhen-2) suggests that this variant is likely to be tolerated. In summary, the available evidence is currently insufficient to determine the role of this variant in disease. Therefore, it has been classified as a Variant of Uncertain Significance.

Ambry Genetics
Classification: Uncertain significance for Inborn genetic diseases. Last evaluated: 2025-08-21. Review status: criteria provided, single submitter. Criteria: Ambry Variant Classification Scheme 2023. Collection method: clinical testing. Allele origin: germline.

CeGaT Center for Human Genetics Tuebingen
Classification: Likely benign. Last evaluated: 2024-09-01. Review status: criteria provided, single submitter. Criteria: CeGaT Center For Human Genetics Tuebingen Variant Classification Criteria Version 2. Collection method: clinical testing. Allele origin: germline. Affected: yes. Observed: 1 variant allele.
Comment: ATL3: BP4